The following is an entry in ClinVar:

ClinVar aggregate classification (germline): Uncertain significance (1 of 4 stars; one submission).

gnomAD v4.1: 5 of 1,584,292 alleles (0.00032%); highest among the groups gnomAD compares: Non-Finnish European, 0.00043%; no homozygotes.

Submission:

Labcorp Genetics (formerly Invitae), Labcorp
Classification: Uncertain significance. Last evaluated: 2024-10-23. Review status: criteria provided, single submitter. Criteria: Invitae Variant Classification Sherloc (09022015). Collection method: clinical testing. Allele origin: germline.
Comment: This sequence change replaces alanine, which is neutral and non-polar, with glycine, which is neutral and non-polar, at codon 424 of the MKL1 protein (p.Ala424Gly). This variant is not present in population databases (gnomAD no frequency). This variant has not been reported in the literature in individuals affected with MKL1-related conditions. An algorithm developed to predict the effect of missense changes on protein structure and function (PolyPhen-2) suggests that this variant is likely to be tolerated. In summary, the available evidence is currently insufficient to determine the role of this variant in disease. Therefore, it has been classified as a Variant of Uncertain Significance.

NM_020831.6(MRTFA):c.1571C>G (p.Ala524Gly)

Gene: MRTFA (myocardin related transcription factor A; minus strand). Cytogenetic location: 22q13.1.
Variant type: single nucleotide variant.
Coding change: c.1571C>G on transcript NM_020831.6 (MANE Select); coding-DNA position 1571, C replaced by G.
Protein change: p.Ala524Gly; replaces alanine 524 with glycine.
Molecular consequence: missense variant.
Genome position (GRCh38, 1-based): chr22:40,419,167, G>C on the plus strand (C>G on the coding strand, the complement: MRTFA is on the minus strand). VCF-style: chr22-40419167-G-C. GRCh37 (hg19) VCF-style: chr22-40815171-G-C.
Other names: c.1271C>G, p.Ala424Gly (NM_001282660.2); c.1421C>G, p.Ala474Gly (NM_001282661.3); c.1571C>G, p.Ala524Gly (NM_001282662.3); c.1376C>G, p.Ala459Gly (NM_001318139.2); short protein forms A474G, A424G, A459G, A524G.
Identifiers: ClinVar variation 3688772 (VCV003688772.2).